The following is an entry in ClinVar:

NM_001080442.3(SLC38A8):c.688C>T (p.Gln230Ter)

Gene: SLC38A8 (solute carrier family 38 member 8; minus strand). Cytogenetic location: 16q23.3.
Variant type: single nucleotide variant.
Coding change: c.688C>T on transcript NM_001080442.3 (MANE Select); coding-DNA position 688, C replaced by T.
Protein change: p.Gln230Ter; replaces glutamine 230 with a stop codon.
Molecular consequence: nonsense.
Genome position (GRCh38, 1-based): chr16:84,029,496, G>A on the plus strand (C>T on the coding strand, the complement: SLC38A8 is on the minus strand). VCF-style: chr16-84029496-G-A. GRCh37 (hg19) VCF-style: chr16-84063101-G-A.
Other names: short protein forms Q230*.
Identifiers: ClinVar variation 2785810 (VCV002785810.3), dbSNP rs2085211910, ClinGen allele CA396936999.

ClinVar aggregate classification (germline): Pathogenic (1 of 4 stars; one submission).

Allele frequency attached by ClinVar (database versions not stated): gnomAD 0.00001.

Submission:

Labcorp Genetics (formerly Invitae), Labcorp
Classification: Pathogenic. Last evaluated: 2023-02-08. Review status: criteria provided, single submitter. Criteria: Invitae Variant Classification Sherloc (09022015). Collection method: clinical testing. Allele origin: germline.
Comment: This sequence change creates a premature translational stop signal (p.Gln230*) in the SLC38A8 gene. It is expected to result in an absent or disrupted protein product. Loss-of-function variants in SLC38A8 are known to be pathogenic (PMID: 24290379). This variant is not present in population databases (gnomAD no frequency). This variant has not been reported in the literature in individuals affected with SLC38A8-related conditions. Algorithms developed to predict the effect of sequence changes on RNA splicing suggest that this variant may disrupt the consensus splice site. For these reasons, this variant has been classified as Pathogenic.

Literature cited by the submitters: PubMed 24290379.